The following is an entry in ClinVar:

ClinVar aggregate classification (germline): Uncertain significance (1 of 4 stars; one submission).

Conditions:
Hereditary spastic paraplegia 11. Also called: Spastic Paraplegia 11; Spastic paraplegia, mental retardation and thin corpus callosum; Nakamura Osame syndrome; Autosomal recessive hereditary spastic paraplegia, mental impairment, and thin corpus callosum; SPASTIC PARAPLEGIA, AUTOSOMAL RECESSIVE, COMPLICATED, WITH THIN CORPUS CALLOSUM; SPASTIC PARAPLEGIA, AUTOSOMAL RECESSIVE, WITH MENTAL IMPAIRMENT AND THIN CORPUS CALLOSUM. Identifiers: Orphanet 2822, MedGen C1858479, MONDO:0011445, OMIM 604360.

Submission:

Laboratorio de Genetica e Diagnostico Molecular, Hospital Israelita Albert Einstein
Classification: Uncertain significance for Hereditary spastic paraplegia 11. Last evaluated: 2021-09-25. Review status: criteria provided, single submitter. Criteria: ACMG Guidelines, 2015. Collection method: clinical testing. Allele origin: germline. Affected: yes.
Comment: ACMG classification criteria: PM2 moderate

NM_025137.4(SPG11):c.6344-20A>C

Gene: SPG11 (SPG11 vesicle trafficking associated, spatacsin; minus strand). Cytogenetic location: 15q21.1.
Variant type: single nucleotide variant.
Coding change: c.6344-20A>C on transcript NM_025137.4 (MANE Select); 20 bases into the intron before coding-DNA position 6344, A replaced by C.
Molecular consequence: intron variant.
Genome position (GRCh38, 1-based): chr15:44,570,678, T>G on the plus strand (A>C on the coding strand, the complement: SPG11 is on the minus strand). VCF-style: chr15-44570678-T-G. GRCh37 (hg19) VCF-style: chr15-44862876-T-G.
Other names: c.6005-20A>C (NM_001160227.2).
Identifiers: ClinVar variation 1683724 (VCV001683724.2), dbSNP rs1595824228, ClinGen allele CA2173685616.